The following is an entry in ClinVar:

ClinVar aggregate classification (germline): Conflicting classifications of pathogenicity. Review status: criteria provided, conflicting classifications (1 of 4 stars). 4 submissions from 3 submitters: Uncertain significance (2); Benign (1); Likely benign (1). Last evaluated 2017-12-05.

Conditions:
Autosomal dominant nonsyndromic hearing loss 6 (LFSNHL). Also called: DEAFNESS, AUTOSOMAL DOMINANT 6; DEAFNESS, AUTOSOMAL DOMINANT 14; DEAFNESS, AUTOSOMAL DOMINANT 38; Autosomal dominant nonsyndromic deafness 6; DIDMOAD (Diabetes Insipidus, Diabetes Mellitus, Optic Atrophy, and Deafness). Identifiers: Orphanet 90635, MedGen C1833021, MONDO:0010963, OMIM 600965.
Wolfram syndrome 1 (WFS1). Identifiers: Orphanet 3463, MedGen C4551693, MONDO:0009101, OMIM 222300.
WFS1-Related Spectrum Disorders.

Allele frequency attached by ClinVar (database versions not stated): ExAC 0.00001; gnomAD 0.00001; TOPMed 0.00002.
gnomAD v4.1: 25 of 1,611,970 alleles (0.0016%); highest among the groups gnomAD compares: Middle Eastern, 0.049%; no homozygotes.

Submissions (4):

GeneDx
Classification: Likely benign. Last evaluated: 2017-12-05. Review status: criteria provided, single submitter. Criteria: GeneDx Variant Classification Process June 2021. Collection method: clinical testing. Allele origin: germline. Affected: yes.
Comment: See Variant Classification Assertion Criteria.

Illumina Laboratory Services, Illumina
Classification: Uncertain significance for Autosomal dominant nonsyndromic hearing loss 6. Last evaluated: 2017-04-27. Review status: criteria provided, single submitter. Criteria: ICSL Variant Classification Criteria 13 December 2019. Collection method: clinical testing. Allele origin: germline.

Illumina Laboratory Services, Illumina
Classification: Uncertain significance for WFS1-Related Spectrum Disorders. Last evaluated: 2017-04-27. Review status: criteria provided, single submitter. Criteria: ICSL Variant Classification Criteria 13 December 2019. Collection method: clinical testing. Allele origin: germline.

Clinical Genomics, Uppaluri K&H Personalized Medicine Clinic
Classification: Benign for Wolfram syndrome 1. Review status: criteria provided, single submitter. Criteria: K & H Uppaluri Personalized Medicine Clinic Variant Classification & Assertion Criteria_Updated V.1. Collection method: research. Allele origin: unknown. Inheritance: Autosomal recessive inheritance.
Comment: Potent mutations in WFS1 gene are associated with Wolfram's syndrome, an autosomal recessive condition, which cause diabetes mellitus, diabetes insipidus, deafness and optic atrophy.However no sufficient evidence is found to ascertain the role of this particular variant rs775493668 in Wolfram's syndrome yet.

Literature cited by the submitters: PubMed 20738327 (cited by Clinical Genomics, Uppaluri K&H Personalized Medicine Clinic); PubMed 33879153 (cited by Clinical Genomics, Uppaluri K&H Personalized Medicine Clinic); PubMed 12955714 (cited by Clinical Genomics, Uppaluri K&H Personalized Medicine Clinic); PubMed 18060660 (cited by Clinical Genomics, Uppaluri K&H Personalized Medicine Clinic); PubMed 20301750 (cited by Clinical Genomics, Uppaluri K&H Personalized Medicine Clinic); PubMed 17603484 (cited by Clinical Genomics, Uppaluri K&H Personalized Medicine Clinic).

NM_006005.3(WFS1):c.*14C>T

Gene: WFS1 (wolframin ER transmembrane glycoprotein; plus strand). Cytogenetic location: 4p16.1.
Variant type: single nucleotide variant.
Coding change: c.*14C>T on transcript NM_006005.3 (MANE Select); 14 bases downstream of the stop codon, C replaced by T.
Molecular consequence: 3 prime UTR variant.
Genome position (GRCh38, 1-based): chr4:6,302,482, C>T. VCF-style: chr4-6302482-C-T. GRCh37 (hg19) VCF-style: chr4-6304209-C-T.
Other names: c.*14C>T (NM_001145853.1).
Identifiers: ClinVar variation 907828 (VCV000907828.5), dbSNP rs775493668, ClinGen allele CA2839836.
Genomic context (GRCh38, chr4:6,302,482, plus strand): 5'-AGTTCGCCTTCGACTTCTTTTTCTTCCCATTCCTGTCGGCGGCCTGAGGATGGTCCGCCA[C>T]GAGGAGCTTCCAGTGCATGTTGCCATGAGGCCTTTCCCCAGTGTGGCCCCAGCCCGACAG-3'